The following is an entry in ClinVar:

ClinVar aggregate classification (germline): Uncertain significance (1 of 4 stars; one submission).

Submission:

Labcorp Genetics (formerly Invitae), Labcorp
Classification: Uncertain significance. Last evaluated: 2024-08-06. Review status: criteria provided, single submitter. Criteria: Invitae Variant Classification Sherloc (09022015). Collection method: clinical testing. Allele origin: germline.
Comment: This sequence change replaces histidine, which is basic and polar, with leucine, which is neutral and non-polar, at codon 296 of the POLR3A protein (p.His296Leu). This variant is not present in population databases (gnomAD no frequency). This variant has not been reported in the literature in individuals affected with POLR3A-related conditions. ClinVar contains an entry for this variant (Variation ID: 1473983). An algorithm developed to predict the effect of missense changes on protein structure and function (PolyPhen-2) suggests that this variant is likely to be tolerated. In summary, the available evidence is currently insufficient to determine the role of this variant in disease. Therefore, it has been classified as a Variant of Uncertain Significance.

NM_007055.4(POLR3A):c.887A>T (p.His296Leu)

Gene: POLR3A (RNA polymerase III subunit A; minus strand). Cytogenetic location: 10q22.3.
Variant type: single nucleotide variant.
Coding change: c.887A>T on transcript NM_007055.4 (MANE Select); coding-DNA position 887, A replaced by T.
Protein change: p.His296Leu; replaces histidine 296 with leucine.
Molecular consequence: missense variant.
Genome position (GRCh38, 1-based): chr10:78,022,021, T>A on the plus strand (A>T on the coding strand, the complement: POLR3A is on the minus strand). VCF-style: chr10-78022021-T-A. GRCh37 (hg19) VCF-style: chr10-79781779-T-A.
Other names: short protein forms H296L.
Identifiers: ClinVar variation 1473983 (VCV001473983.8), dbSNP rs2131958432, ClinGen allele CA377345008.